The following is an entry in ClinVar:

NM_006494.4(ERF):c.1030C>G (p.Arg344Gly)

Gene: ERF (ETS2 repressor factor; minus strand). Cytogenetic location: 19q13.2.
Variant type: single nucleotide variant.
Coding change: c.1030C>G on transcript NM_006494.4 (MANE Select); coding-DNA position 1030, C replaced by G.
Protein change: p.Arg344Gly; replaces arginine 344 with glycine.
Molecular consequence: missense variant.
Genome position (GRCh38, 1-based): chr19:42,249,082, G>C on the plus strand (C>G on the coding strand, the complement: ERF is on the minus strand). VCF-style: chr19-42249082-G-C. GRCh37 (hg19) VCF-style: chr19-42753234-G-C.
Other names: c.805C>G, p.Arg269Gly (NM_001301035.2, NM_001308402.2, NM_001312656.2); short protein forms R269G, R344G.
Identifiers: ClinVar variation 1031050 (VCV001031050.1), dbSNP rs1395870549, ClinGen allele CA406108673.

ClinVar aggregate classification (germline): Uncertain significance (1 of 4 stars; one submission).

Conditions:
Lambdoidal craniosynostosis. Identifiers: MedGen C1833340, HP:0004443.

Submission:

Baylor Genetics
Classification: Uncertain significance for Craniosynostosis 4. Last evaluated: 2020-11-13. Review status: criteria provided, single submitter. Criteria: ACMG Guidelines, 2015. Collection method: clinical testing. Allele origin: unknown. Affected: yes.
Comment: This variant was determined to be of uncertain significance according to ACMG Guidelines, 2015 [PMID:25741868].